The following is an entry in ClinVar:

NM_004068.4(AP2M1):c.281G>T (p.Gly94Val)

Gene: AP2M1 (adaptor related protein complex 2 subunit mu 1; plus strand). Cytogenetic location: 3q27.1.
Variant type: single nucleotide variant.
Coding change: c.281G>T on transcript NM_004068.4 (MANE Select); coding-DNA position 281, G replaced by T.
Protein change: p.Gly94Val; replaces glycine 94 with valine.
Molecular consequence: missense variant.
Genome position (GRCh38, 1-based): chr3:184,179,063, G>T. VCF-style: chr3-184179063-G-T. GRCh37 (hg19) VCF-style: chr3-183896851-G-T.
Other names: c.356G>T, p.Gly119Val (NM_001311198.2); c.281G>T, p.Gly94Val (NM_001025205.2); short protein forms G119V, G94V.
Identifiers: ClinVar variation 2770953 (VCV002770953.3), dbSNP rs2473719639, ClinGen allele CA355421044.

ClinVar aggregate classification (germline): Uncertain significance (1 of 4 stars; one submission).

Allele frequency attached by ClinVar (database versions not stated): gnomAD exomes below 0.00001.
gnomAD v4.1: 1 of 1,614,120 alleles (0.000062%); no homozygotes.

Submission:

Labcorp Genetics (formerly Invitae), Labcorp
Classification: Uncertain significance. Last evaluated: 2023-10-22. Review status: criteria provided, single submitter. Criteria: Invitae Variant Classification Sherloc (09022015). Collection method: clinical testing. Allele origin: germline.
Comment: This sequence change replaces glycine, which is neutral and non-polar, with valine, which is neutral and non-polar, at codon 94 of the AP2M1 protein (p.Gly94Val). This variant is not present in population databases (gnomAD no frequency). This variant has not been reported in the literature in individuals affected with AP2M1-related conditions. An algorithm developed to predict the effect of missense changes on protein structure and function (PolyPhen-2) suggests that this variant is likely to be disruptive. In summary, the available evidence is currently insufficient to determine the role of this variant in disease. Therefore, it has been classified as a Variant of Uncertain Significance.